The following is an entry in ClinVar:

ClinVar aggregate classification (germline): Pathogenic (1 of 4 stars; one submission).

Conditions:
Pontocerebellar hypoplasia type 1A (PCH1A). Also called: PONTOCEREBELLAR HYPOPLASIA WITH ANTERIOR HORN CELL DISEASE; PONTOCEREBELLAR HYPOPLASIA WITH INFANTILE SPINAL MUSCULAR ATROPHY. Identifiers: Orphanet 2254, Orphanet 88616, MedGen C1843504, MONDO:0011866, OMIM 607596.

Submission:

Labcorp Genetics (formerly Invitae), Labcorp
Classification: Pathogenic for Pontocerebellar hypoplasia type 1A. Last evaluated: 2025-10-26. Review status: criteria provided, single submitter. Criteria: Invitae Variant Classification Sherloc (09022015). Collection method: clinical testing. Allele origin: germline.
Comment: This sequence change creates a premature translational stop signal (p.Tyr113*) in the VRK1 gene. It is expected to result in an absent or disrupted protein product. Loss-of-function variants in VRK1 are known to be pathogenic (PMID: 19646678, 24126608, 27281532). This variant is not present in population databases (gnomAD no frequency). This variant has not been reported in the literature in individuals affected with VRK1-related conditions. For these reasons, this variant has been classified as Pathogenic.

Literature cited by the submitters: PubMed 19646678; PubMed 24126608; PubMed 27281532.

NM_003384.3(VRK1):c.338dup (p.Tyr113Ter)

Gene: VRK1 (VRK serine/threonine kinase 1; plus strand). Cytogenetic location: 14q32.2.
Variant type: Duplication.
Coding change: c.338dup on transcript NM_003384.3 (MANE Select); coding-DNA position 338, one base duplicated (A; older notation c.338dupA).
Protein change: p.Tyr113Ter; replaces tyrosine 113 with a stop codon.
Molecular consequence: nonsense.
Genome position (GRCh38, 1-based): chr14:96,847,308, A duplicated. VCF-style (leftmost placement, unchanged base first): chr14-96847307-T-TA. GRCh37 (hg19) VCF-style: chr14-97313644-T-TA.
Other names: c.338dup, p.Tyr113Ter (NM_001411051.1, NM_001411053.1); short protein forms Y113*.
Identifiers: ClinVar variation 4729557 (VCV004729557.1).